The following is an entry in ClinVar:

NM_001267550.2(TTN):c.8786T>G (p.Ile2929Arg)

Gene: TTN (titin; minus strand). Cytogenetic location: 2q31.2.
Variant type: single nucleotide variant.
Coding change: c.8786T>G on transcript NM_001267550.2 (MANE Select); coding-DNA position 8786, T replaced by G.
Protein change: p.Ile2929Arg; replaces isoleucine 2929 with arginine.
Molecular consequence: missense variant.
Genome position (GRCh38, 1-based): chr2:178,769,795, A>C on the plus strand (T>G on the coding strand, the complement: TTN is on the minus strand). VCF-style: chr2-178769795-A-C. GRCh37 (hg19) VCF-style: chr2-179634522-A-C.
Other names: c.8786T>G, p.Ile2929Arg (NM_001256850.1, NM_133378.4, NM_133379.5); c.8648T>G, p.Ile2883Arg (NM_003319.4, NM_133432.3, NM_133437.4); short protein forms I2883R, I2929R.
Identifiers: ClinVar variation 805731 (VCV000805731.3), dbSNP rs757111808, ClinGen allele CA2004542.

ClinVar aggregate classification (germline): Uncertain significance. Review status: criteria provided, multiple submitters, no conflicts (2 of 4 stars). 2 submissions from 2 submitters: Uncertain significance (2). Last evaluated 2020-03-19.

Conditions:
Cardiovascular phenotype. Identifiers: MedGen CN230736.

Allele frequency attached by ClinVar (database versions not stated): TOPMed 0.00001; ExAC 0.00002.
gnomAD v4.1: 7 of 1,613,960 alleles (0.00043%); highest among the groups gnomAD compares: South Asian, 0.0011%; no homozygotes.

Submissions (2):

Ambry Genetics
Classification: Uncertain significance for Cardiovascular phenotype. Last evaluated: 2020-03-19. Review status: criteria provided, single submitter. Criteria: Ambry Variant Classification Scheme 2023. Collection method: clinical testing. Allele origin: germline.
Comment: The p.I2883R variant (also known as c.8648T>G), located in coding exon 35 of the TTN gene, results from a T to G substitution at nucleotide position 8648. The isoleucine at codon 2883 is replaced by arginine, an amino acid with similar properties. This amino acid position is highly conserved in available vertebrate species. In addition, this alteration is predicted to be deleterious by in silico analysis. Since supporting evidence is limited at this time, the clinical significance of this alteration remains unclear.

Athena Diagnostics
Classification: Uncertain significance. Last evaluated: 2018-10-02. Review status: criteria provided, single submitter. Criteria: Athena Diagnostics Criteria. Collection method: clinical testing. Allele origin: germline.